The following is an entry in ClinVar:

ClinVar aggregate classification (germline): Uncertain significance (1 of 4 stars; one submission).

Conditions:
Sulfite oxidase deficiency due to molybdenum cofactor deficiency type C. Also called: Molybdenum cofactor deficiency C; Molybdenum cofactor deficiency, complementation group C. Identifiers: Orphanet 308400, Orphanet 833, MedGen C1854990, MONDO:0014212, OMIM 615501.

Allele frequency attached by ClinVar (database versions not stated): gnomAD exomes below 0.00001.
gnomAD v4.1: 1 of 1,613,524 alleles (0.000062%); highest among the groups gnomAD compares: East Asian, 0.0022%; no homozygotes.

Submission:

Labcorp Genetics (formerly Invitae), Labcorp
Classification: Uncertain significance for Sulfite oxidase deficiency due to molybdenum cofactor deficiency type C. Last evaluated: 2022-08-22. Review status: criteria provided, single submitter. Criteria: Invitae Variant Classification Sherloc (09022015). Collection method: clinical testing. Allele origin: germline.
Comment: In summary, the available evidence is currently insufficient to determine the role of this variant in disease. Therefore, it has been classified as a Variant of Uncertain Significance. Algorithms developed to predict the effect of sequence changes on RNA splicing suggest that this variant may create or strengthen a splice site. Algorithms developed to predict the effect of missense changes on protein structure and function (SIFT, PolyPhen-2, Align-GVGD) all suggest that this variant is likely to be tolerated. This variant has not been reported in the literature in individuals affected with GPHN-related conditions. This variant is present in population databases (no rsID available, gnomAD 0.006%). This sequence change replaces proline, which is neutral and non-polar, with serine, which is neutral and polar, at codon 189 of the GPHN protein (p.Pro189Ser).

NM_020806.5(GPHN):c.565C>T (p.Pro189Ser)

Gene: GPHN (gephyrin; plus strand). Cytogenetic location: 14q23.3.
Variant type: single nucleotide variant.
Coding change: c.565C>T on transcript NM_020806.5 (MANE Select); coding-DNA position 565, C replaced by T.
Protein change: p.Pro189Ser; replaces proline 189 with serine.
Molecular consequence: missense variant.
Genome position (GRCh38, 1-based): chr14:66,922,774, C>T. VCF-style: chr14-66922774-C-T. GRCh37 (hg19) VCF-style: chr14-67389491-C-T.
Other names: c.565C>T, p.Pro189Ser (NM_001024218.2, NM_001377515.1, NM_001377516.1 and 2 more transcripts); c.604C>T, p.Pro202Ser (NM_001377514.1, NM_001377519.1); short protein forms P189S, P202S.
Identifiers: ClinVar variation 1986527 (VCV001986527.4), dbSNP rs1287767064, ClinGen allele CA390256225.